The following is an entry in ClinVar:

NM_014991.6(WDFY3):c.7179T>G (p.His2393Gln)

Gene: WDFY3 (WD repeat and FYVE domain containing 3; minus strand). Cytogenetic location: 4q21.23.
Variant type: single nucleotide variant.
Coding change: c.7179T>G on transcript NM_014991.6 (MANE Select); coding-DNA position 7179, T replaced by G.
Protein change: p.His2393Gln; replaces histidine 2393 with glutamine.
Molecular consequence: missense variant.
Genome position (GRCh38, 1-based): chr4:84,733,424, A>C on the plus strand (T>G on the coding strand, the complement: WDFY3 is on the minus strand). VCF-style: chr4-84733424-A-C. GRCh37 (hg19) VCF-style: chr4-85654577-A-C.
Other names: short protein forms H2393Q.
Identifiers: ClinVar variation 3364488 (VCV003364488.1).

ClinVar aggregate classification (germline): Uncertain significance (1 of 4 stars; one submission).

Submission:

GeneDx
Classification: Uncertain significance. Last evaluated: 2023-11-15. Review status: criteria provided, single submitter. Criteria: GeneDx Variant Classification Process June 2021. Collection method: clinical testing. Allele origin: germline. Affected: yes.
Comment: Not observed at significant frequency in large population cohorts (gnomAD); In silico analysis supports that this missense variant has a deleterious effect on protein structure/function; Has not been previously published as pathogenic or benign to our knowledge